The following is an entry in ClinVar:

ClinVar aggregate classification (germline): Uncertain significance (1 of 4 stars; one submission).

Conditions:
Cardiomyopathy (CMYO). Also called: Cardiomyopathies. Identifiers: Orphanet 167848, MedGen C0878544, MONDO:0004994, HP:0001638. Inheritance: Various modes of inheritance.

Submission:

Color Diagnostics, LLC DBA Color Health
Classification: Uncertain significance for Cardiomyopathy. Last evaluated: 2024-10-15. Review status: criteria provided, single submitter. Criteria: ACMG Guidelines, 2015. Collection method: clinical testing. Allele origin: germline.
Comment: This missense variant replaces glutamic acid with aspartic acid at codon 3217 of the RYR2 protein. Computational prediction suggests that this variant may not impact protein structure and function (internally defined REVEL score threshold <= 0.5, PMID: 27666373). To our knowledge, functional studies have not been reported for this variant. This variant has not been reported in individuals affected with RYR2-related disorders in the literature. This variant has not been identified in the general population by the Genome Aggregation Database (gnomAD). The available evidence is insufficient to determine the role of this variant in disease conclusively. Therefore, this variant is classified as a Variant of Uncertain Significance.

NM_001035.3(RYR2):c.9651A>T (p.Glu3217Asp)

Gene: RYR2 (ryanodine receptor 2; plus strand). Cytogenetic location: 1q43.
Variant type: single nucleotide variant.
Coding change: c.9651A>T on transcript NM_001035.3 (MANE Select); coding-DNA position 9651, A replaced by T.
Protein change: p.Glu3217Asp; replaces glutamic acid 3217 with aspartic acid.
Molecular consequence: missense variant.
Genome position (GRCh38, 1-based): chr1:237,707,019, A>T. VCF-style: chr1-237707019-A-T. GRCh37 (hg19) VCF-style: chr1-237870319-A-T.
Other names: short protein forms E3217D.
Identifiers: ClinVar variation 3894055 (VCV003894055.1).
Genomic context (GRCh38, chr1:237,707,019, plus strand): 5'-GCCAACTAATGTGGAAGATGTTTGTCCAAACATACCGTCTTTGGAGAAACTCATGGAAGA[A>T]ATCGTGGAATTAGCCGAGTCCGGCATTCGCTACACTCAAATGCCACATGTCATGGAAGTC-3'
Protein context (NP_001026.2, residues 3207-3227): NIPSLEKLME[Glu3217Asp]IVELAESGIR